The following is an entry in ClinVar:

ClinVar aggregate classification (germline): Pathogenic (1 of 4 stars; one submission).

Conditions:
Intellectual disability-facial dysmorphism syndrome due to SETD5 haploinsufficiency (MRD23). Also called: Intellectual developmental disorder, autosomal dominant 23. Identifiers: Orphanet 404440, MedGen C3810406, MONDO:0014336, OMIM 615761.

Submission:

Institute of Human Genetics, FAU Erlangen, Friedrich-Alexander-Universität Erlangen-Nürnberg
Classification: Pathogenic for Intellectual disability-facial dysmorphism syndrome due to SETD5 haploinsufficiency. Last evaluated: 2017-08-01. Review status: criteria provided, single submitter. Criteria: ACMG Guidelines, 2015. Collection method: clinical testing. Allele origin: de novo. Inheritance: Sporadic. Affected: yes. Observed: 1 variant allele, 1 heterozygote.

NM_001080517.3(SETD5):c.1125dup (p.Val376fs)

Gene: SETD5 (SET domain containing 5; plus strand). Cytogenetic location: 3p25.3.
Variant type: Duplication.
Coding change: c.1125dup on transcript NM_001080517.3 (MANE Select); coding-DNA position 1125, one base duplicated (T; older notation c.1125dupT).
Protein change: p.Val376fs; shifts the reading frame from valine 376.
Molecular consequence: frameshift variant.
Genome position (GRCh38, 1-based): chr3:9,443,355, T duplicated. VCF-style (leftmost placement, unchanged base first): chr3-9443354-C-CT. GRCh37 (hg19) VCF-style: chr3-9485038-C-CT.
Other names: c.831dup, p.Val278fs (NM_001292043.2, NM_001349451.2); short protein forms V376fs, V278fs.
Identifiers: ClinVar variation 431105 (VCV000431105.3), dbSNP rs1135401767, ClinGen allele CA645372380.
Genomic context (GRCh38, chr3:9,443,354, plus strand): 5'-GCCTTTTCACACAGGTGCGACACATGATTGCAGATGGGATGATTCACCTGTGCATCTATG[C>CT]TGTGTCTGCCATCACCAAGGATGCTGAGGTCACCATAGCATTTGATTATGAGTATAGTAA-3'